The following is an entry in ClinVar:

NM_001042492.3(NF1):c.3443C>G (p.Ala1148Gly)

Gene: NF1 (neurofibromin 1; plus strand). Cytogenetic location: 17q11.2.
Variant type: single nucleotide variant.
Coding change: c.3443C>G on transcript NM_001042492.3 (MANE Select); coding-DNA position 3443, C replaced by G.
Protein change: p.Ala1148Gly; replaces alanine 1148 with glycine.
Molecular consequence: missense variant.
Genome position (GRCh38, 1-based): chr17:31,232,828, C>G. VCF-style: chr17-31232828-C-G. GRCh37 (hg19) VCF-style: chr17-29559846-C-G.
Other names: c.3443C>G, p.Ala1148Gly (NM_000267.4); short protein forms A1148G.
Identifiers: ClinVar variation 3879070 (VCV003879070.1).

ClinVar aggregate classification (germline): Uncertain significance (1 of 4 stars; one submission).

Conditions:
Cardiovascular phenotype. Identifiers: MedGen CN230736.
Hereditary cancer-predisposing syndrome. Also called: Tumor predisposition; Neoplastic Syndromes, Hereditary; Hereditary Cancer Syndrome; Hereditary neoplastic syndrome. Identifiers: Orphanet 140162, MedGen C0027672, MeSH D009386, MONDO:0015356.

Submission:

Ambry Genetics
Classification: Uncertain significance for Cardiovascular phenotype; Hereditary cancer-predisposing syndrome. Last evaluated: 2025-02-07. Review status: criteria provided, single submitter. Criteria: Ambry Variant Classification Scheme 2023. Collection method: clinical testing. Allele origin: germline.
Comment: The p.A1148G variant (also known as c.3443C>G), located in coding exon 26 of the NF1 gene, results from a C to G substitution at nucleotide position 3443. The alanine at codon 1148 is replaced by glycine, an amino acid with similar properties. This amino acid position is highly conserved in available vertebrate species. In addition, the in silico prediction for this alteration is inconclusive. Based on the available evidence, the clinical significance of this variant remains unclear.